The following is an entry in ClinVar:

ClinVar aggregate classification (germline): Uncertain significance. Review status: criteria provided, multiple submitters, no conflicts (2 of 4 stars). 2 submissions from 2 submitters: Uncertain significance (2). Last evaluated 2022-04-07.

Conditions:
Naxos disease (NXD). Also called: KERATOSIS PALMOPLANTARIS WITH ARRHYTHMOGENIC CARDIOMYOPATHY; MAL DE NAXOS; PALMOPLANTAR KERATODERMA WITH ARRHYTHMOGENIC RIGHT VENTRICULAR CARDIOMYOPATHY AND WOOLLY HAIR; WOOLLY HAIR, PALMOPLANTAR KERATODERMA, AND CARDIAC ABNORMALITIES; CARDIOMYOPATHY, ARRHYTHMOGENIC RIGHT VENTRICULAR, WITH SKIN, HAIR, AND NAIL ABNORMALITIES. Identifiers: Orphanet 34217, MedGen C1832600, MONDO:0011017, OMIM 601214.
Arrhythmogenic right ventricular dysplasia 12. Also called: ARRHYTHMOGENIC RIGHT VENTRICULAR DYSPLASIA, FAMILIAL, 12. Identifiers: MedGen C1969081, MONDO:0012684, OMIM 611528.
Cardiovascular phenotype. Identifiers: MedGen CN230736.

Submissions (2):

Labcorp Genetics (formerly Invitae), Labcorp
Classification: Uncertain significance for Arrhythmogenic right ventricular dysplasia 12; Naxos disease. Last evaluated: 2022-04-07. Review status: criteria provided, single submitter. Criteria: Invitae Variant Classification Sherloc (09022015). Collection method: clinical testing. Allele origin: germline.
Comment: This sequence change replaces arginine, which is basic and polar, with leucine, which is neutral and non-polar, at codon 176 of the JUP protein (p.Arg176Leu). This variant is not present in population databases (gnomAD no frequency). This variant has not been reported in the literature in individuals affected with JUP-related conditions. Algorithms developed to predict the effect of missense changes on protein structure and function (SIFT, PolyPhen-2, Align-GVGD) all suggest that this variant is likely to be tolerated. In summary, the available evidence is currently insufficient to determine the role of this variant in disease. Therefore, it has been classified as a Variant of Uncertain Significance.

Ambry Genetics
Classification: Uncertain significance for Cardiovascular phenotype. Last evaluated: 2020-03-16. Review status: criteria provided, single submitter. Criteria: Ambry Variant Classification Scheme 2023. Collection method: clinical testing. Allele origin: germline.
Comment: The p.R176L variant (also known as c.527G>T), located in coding exon 3 of the JUP gene, results from a G to T substitution at nucleotide position 527. The arginine at codon 176 is replaced by leucine, an amino acid with dissimilar properties. Another alteration affecting the same amino acid, p.R176W (c.526C>T), has been reported in association with cardiomyopathy (Kostareva A et al. PLoS ONE Sep;11:e0163362). This amino acid position is highly conserved in available vertebrate species. In addition, this alteration is predicted to be deleterious by in silico analysis. Since supporting evidence is limited at this time, the clinical significance of this alteration remains unclear.

NM_002230.4(JUP):c.527G>T (p.Arg176Leu)

Gene: JUP (junction plakoglobin; minus strand). Cytogenetic location: 17q21.2.
Variant type: single nucleotide variant.
Coding change: c.527G>T on transcript NM_002230.4 (MANE Select); coding-DNA position 527, G replaced by T.
Protein change: p.Arg176Leu; replaces arginine 176 with leucine.
Molecular consequence: missense variant.
Genome position (GRCh38, 1-based): chr17:41,769,149, C>A on the plus strand (G>T on the coding strand, the complement: JUP is on the minus strand). VCF-style: chr17-41769149-C-A. GRCh37 (hg19) VCF-style: chr17-39925401-C-A.
Other names: c.527G>T, p.Arg176Leu (NM_001352773.2, NM_001352774.2, NM_001352775.2 and 3 more transcripts); short protein forms R176L.
Identifiers: ClinVar variation 1746558 (VCV001746558.7), dbSNP rs144171604, ClinGen allele CA399503400.
Genomic context (GRCh38, chr17:41,769,149, plus strand): 5'-GTATTCTGCATGGTACGCACGACAGCGGCCACCAGCTGGGGCGAGCCCATCAGGGCCCGC[C>A]GCGACGCCTCCTTCTTCGACAGCTGGTTCACAATCATGGCCGCCTTGGTCACCACCACCT-3'
Protein context (NP_002221.1, residues 166-186): VNQLSKKEAS[Arg176Leu]RALMGSPQLV